The following is an entry in ClinVar:

NM_000088.4(COL1A1):c.2829+20T>C

Gene: COL1A1 (collagen type I alpha 1 chain; minus strand). Cytogenetic location: 17q21.33.
Variant type: single nucleotide variant.
Coding change: c.2829+20T>C on transcript NM_000088.4 (MANE Select); 20 bases into the intron after coding-DNA position 2829, T replaced by C.
Molecular consequence: intron variant.
Genome position (GRCh38, 1-based): chr17:50,189,357, A>G on the plus strand (T>C on the coding strand, the complement: COL1A1 is on the minus strand). VCF-style: chr17-50189357-A-G. GRCh37 (hg19) VCF-style: chr17-48266718-A-G.
Identifiers: ClinVar variation 511664 (VCV000511664.6), dbSNP rs372169804, ClinGen allele CA8644675.
Genomic context (GRCh38, chr17:50,189,357, plus strand): 5'-GAGGTGCCAGAGAGCAGCACAGGGACCCCTCCCCAGCTCTGCACACCTCCGGAGCTGCAG[A>G]GATCTGAGCTGGCACTTACAGCAGGACCATCAGCACCAGGGGATCCTTTCTCGCCAGCAG-3'

ClinVar aggregate classification (germline): Likely benign. Review status: criteria provided, multiple submitters, no conflicts (2 of 4 stars). 2 submissions from 2 submitters: Likely benign (2). Last evaluated 2026-01-12.

Conditions:
Osteogenesis imperfecta type I (OI1). Also called: Classic Non-deforming Osteogenesis Imperfecta with Blue Sclerae; Osteogenesis imperfecta type 1; Lobstein disease; OI, TYPE I; OSTEOGENESIS IMPERFECTA TARDA; OSTEOGENESIS IMPERFECTA WITH BLUE SCLERAE. Identifiers: Orphanet 216796, Orphanet 666, MedGen C0023931, MONDO:0008146, OMIM 166200. Disease mechanism: loss of function.

Allele frequency attached by ClinVar (database versions not stated): gnomAD exomes 0.00001; ExAC 0.00002; TOPMed 0.00002; ESP Exome Variant Server 0.00008.
gnomAD v4.1: 20 of 1,613,434 alleles (0.0012%); highest among the groups gnomAD compares: Admixed American, 0.0017%; no homozygotes.

Submissions (2):

Labcorp Genetics (formerly Invitae), Labcorp
Classification: Likely benign for Osteogenesis imperfecta type I. Last evaluated: 2026-01-12. Review status: criteria provided, single submitter. Criteria: Invitae Variant Classification Sherloc (09022015). Collection method: clinical testing. Allele origin: germline.

GeneDx
Classification: Likely benign. Last evaluated: 2017-08-28. Review status: criteria provided, single submitter. Criteria: GeneDx Variant Classification (06012015). Collection method: clinical testing. Allele origin: germline. Affected: yes.
Comment: This variant is considered likely benign or benign based on one or more of the following criteria: it is a conservative change, it occurs at a poorly conserved position in the protein, it is predicted to be benign by multiple in silico algorithms, and/or has population frequency not consistent with disease.